The following is an entry in ClinVar:

ClinVar aggregate classification (germline): Uncertain significance (1 of 4 stars; one submission).

Conditions:
Hereditary cancer-predisposing syndrome. Also called: Neoplastic Syndromes, Hereditary; Tumor predisposition; Hereditary Cancer Syndrome; Hereditary neoplastic syndrome. Identifiers: Orphanet 140162, MedGen C0027672, MeSH D009386, MONDO:0015356.

Submission:

Ambry Genetics
Classification: Uncertain significance for Hereditary cancer-predisposing syndrome. Last evaluated: 2025-11-29. Review status: criteria provided, single submitter. Criteria: Ambry Variant Classification Scheme 2023. Collection method: clinical testing. Allele origin: germline.
Comment: The p.A23S variant (also known as c.67G>T), located in coding exon 1 of the CDK4 gene, results from a G to T substitution at nucleotide position 67. The alanine at codon 23 is replaced by serine, an amino acid with similar properties. This amino acid position is highly conserved in available vertebrate species. In addition, the in silico prediction for this alteration is inconclusive. Since supporting evidence is limited at this time, the clinical significance of this alteration remains unclear.

NM_000075.4(CDK4):c.67G>T (p.Ala23Ser)

Gene: CDK4 (cyclin dependent kinase 4; minus strand). Cytogenetic location: 12q14.1.
Variant type: single nucleotide variant.
Coding change: c.67G>T on transcript NM_000075.4 (MANE Select); coding-DNA position 67, G replaced by T.
Protein change: p.Ala23Ser; replaces alanine 23 with serine.
Molecular consequence: missense variant.
Genome position (GRCh38, 1-based): chr12:57,751,651, C>A on the plus strand (G>T on the coding strand, the complement: CDK4 is on the minus strand). VCF-style: chr12-57751651-C-A. GRCh37 (hg19) VCF-style: chr12-58145434-C-A.
Other names: short protein forms A23S.
Identifiers: ClinVar variation 1755521 (VCV001755521.3), dbSNP rs2140388604, ClinGen allele CA385549025.